The following is an entry in ClinVar:

NM_001349338.3(FOXP1):c.493G>A (p.Gly165Arg)

Gene: FOXP1 (forkhead box P1; minus strand). Cytogenetic location: 3p13.
Variant type: single nucleotide variant.
Coding change: c.493G>A on transcript NM_001349338.3 (MANE Select); coding-DNA position 493, G replaced by A.
Protein change: p.Gly165Arg; replaces glycine 165 with arginine.
Molecular consequence: missense variant. On other transcripts: non-coding transcript variant (2), intron variant (1).
Genome position (GRCh38, 1-based): chr3:71,052,554, C>T on the plus strand (G>A on the coding strand, the complement: FOXP1 is on the minus strand). VCF-style: chr3-71052554-C-T. GRCh37 (hg19) VCF-style: chr3-71101705-C-T.
Other names: c.493G>A, p.Gly165Arg (NM_001244808.3, NM_001244810.2, NM_001244814.3 and 4 more transcripts); c.193G>A, p.Gly65Arg (NM_001244813.3, NM_001244815.2, NM_001349342.3 and 1 more transcripts); c.190G>A, p.Gly64Arg (NM_001349337.2, NM_001349343.3, NM_001349344.3); c.490G>A, p.Gly164Arg (NM_001349341.3); c.283-5459G>A (NM_001244812.3); short protein forms G164R, G64R, G65R, G165R.
Identifiers: ClinVar variation 2848930 (VCV002848930.3), dbSNP rs2545872672, ClinGen allele CA353563657.
Genomic context (GRCh38, chr3:71,052,554, plus strand): 5'-TCTGGGATCTGTGGTTTGAAAGTAAAATATGTATTGTCGGTACCTCTTTAGGCTGTTTTC[C>T]AGCATGTTGTTGTTGTAAAAGTTGAAGCTGCAACTGTTCCTGTTGTTTTTTATAAAACTC-3'
Protein context (NP_001336267.1, residues 155-175): QLQLLQQQHA[Gly165Arg]KQPKEQQQVA

ClinVar aggregate classification (germline): Uncertain significance (1 of 4 stars; one submission).

Submission:

Labcorp Genetics (formerly Invitae), Labcorp
Classification: Uncertain significance. Last evaluated: 2023-03-23. Review status: criteria provided, single submitter. Criteria: Invitae Variant Classification Sherloc (09022015). Collection method: clinical testing. Allele origin: germline.
Comment: Advanced modeling of protein sequence and biophysical properties (such as structural, functional, and spatial information, amino acid conservation, physicochemical variation, residue mobility, and thermodynamic stability) performed at Invitae indicates that this missense variant is not expected to disrupt FOXP1 protein function. This variant has not been reported in the literature in individuals affected with FOXP1-related conditions. This variant is not present in population databases (gnomAD no frequency). This sequence change replaces glycine, which is neutral and non-polar, with arginine, which is basic and polar, at codon 165 of the FOXP1 protein (p.Gly165Arg). In summary, the available evidence is currently insufficient to determine the role of this variant in disease. Therefore, it has been classified as a Variant of Uncertain Significance.